The following is an entry in ClinVar:

ClinVar aggregate classification (germline): Uncertain significance (1 of 4 stars; one submission).

Allele frequency attached by ClinVar (database versions not stated): gnomAD 0.00001.
gnomAD v4.1: 10 of 1,614,066 alleles (0.00062%); highest among the groups gnomAD compares: Admixed American, 0.0067%; no homozygotes.

Submission:

Labcorp Genetics (formerly Invitae), Labcorp
Classification: Uncertain significance. Last evaluated: 2025-05-27. Review status: criteria provided, single submitter. Criteria: Invitae Variant Classification Sherloc (09022015). Collection method: clinical testing. Allele origin: germline.
Comment: This sequence change affects codon 2455 of the MTOR mRNA. It is a 'silent' change, meaning that it does not change the encoded amino acid sequence of the MTOR protein. It affects a nucleotide within the consensus splice site. This variant is present in population databases (no rsID available, gnomAD 0.009%). This variant has not been reported in the literature in individuals affected with MTOR-related conditions. ClinVar contains an entry for this variant (Variation ID: 240081). Algorithms developed to predict the effect of sequence changes on RNA splicing suggest that this variant is not likely to affect RNA splicing. In summary, the available evidence is currently insufficient to determine the role of this variant in disease. Therefore, it has been classified as a Variant of Uncertain Significance.

NM_004958.4(MTOR):c.7365C>T (p.Val2455=)

Gene: MTOR (mechanistic target of rapamycin kinase; minus strand). Cytogenetic location: 1p36.22.
Variant type: single nucleotide variant.
Coding change: c.7365C>T on transcript NM_004958.4 (MANE Select); coding-DNA position 7365, C replaced by T.
Protein change: p.Val2455=; no amino-acid change (valine 2455 retained).
Molecular consequence: synonymous variant.
Genome position (GRCh38, 1-based): chr1:11,112,853, G>A on the plus strand (C>T on the coding strand, the complement: MTOR is on the minus strand). VCF-style: chr1-11112853-G-A. GRCh37 (hg19) VCF-style: chr1-11172910-G-A.
Other names: c.7365C>T (LRG_734t1).
Identifiers: ClinVar variation 240081 (VCV000240081.10), dbSNP rs878854749, ClinGen allele CA10581720.